The following is an entry in ClinVar:

NM_001680.5(FXYD2):c.183C>T (p.Ile61=)

Genes: FXYD2 (FXYD domain containing ion transport regulator 2; minus strand), FXYD6-FXYD2 (FXYD6-FXYD2 readthrough; minus strand). Cytogenetic location: 11q23.3.
Variant type: single nucleotide variant.
Coding change: c.183C>T on transcript NM_001680.5 (MANE Select); coding-DNA position 183, C replaced by T.
Protein change: p.Ile61=; no amino-acid change (isoleucine 61 retained).
Molecular consequence: synonymous variant. On other transcripts: 3 prime UTR variant (1).
Genome position (GRCh38, 1-based): chr11:117,820,690, G>A on the plus strand (C>T on the coding strand, the complement: FXYD2 is on the minus strand). VCF-style: chr11-117820690-G-A. GRCh37 (hg19) VCF-style: chr11-117691405-G-A.
Other names: c.417C>T, p.Ile139= (NM_001204268.3); c.*16C>T (NM_001243598.4); c.177C>T, p.Ile59= (NM_021603.4).
Identifiers: ClinVar variation 302523 (VCV000302523.10), dbSNP rs201669990, ClinGen allele CA6297756.

ClinVar aggregate classification (germline): Benign/Likely benign. Review status: criteria provided, multiple submitters, no conflicts (2 of 4 stars). 3 submissions from 3 submitters: Benign (1); Likely benign (2). Last evaluated 2025-03-18.

Conditions:
Renal hypomagnesemia 2 (HOMG2). Also called: MAGNESIUM LOSS, ISOLATED RENAL. Identifiers: Orphanet 34528, MedGen C1835171, MONDO:0007937, OMIM 154020.

Allele frequency attached by ClinVar (database versions not stated): ExAC 0.00006; ESP Exome Variant Server 0.00008; gnomAD exomes 0.00010; gnomAD 0.00011 and 0.00014; 1000 Genomes Project 30x 0.00016; TOPMed 0.00017; 1000 Genomes Project 0.00020.
gnomAD v4.1: 80 of 1,613,950 alleles (0.005%); highest among the groups gnomAD compares: East Asian, 0.071%; no homozygotes.

Submissions (3):

Labcorp Genetics (formerly Invitae), Labcorp
Classification: Benign. Last evaluated: 2025-03-18. Review status: criteria provided, single submitter. Criteria: Invitae Variant Classification Sherloc (09022015). Collection method: clinical testing. Allele origin: germline.

Fulgent Genetics
Classification: Likely benign for Renal hypomagnesemia 2. Last evaluated: 2021-12-21. Review status: criteria provided, single submitter. Criteria: ACMG Guidelines, 2015. Collection method: clinical testing. Allele origin: unknown.

Illumina Laboratory Services, Illumina
Classification: Likely benign for Renal hypomagnesemia 2. Last evaluated: 2018-01-13. Review status: criteria provided, single submitter. Criteria: ICSL Variant Classification Criteria 13 December 2019. Collection method: clinical testing. Allele origin: germline.
Comment: This variant was observed in the ICSL laboratory as part of a predisposition screen in an ostensibly healthy population. It had not been previously curated by ICSL or reported in the Human Gene Mutation Database (HGMD: prior to June 1st, 2018), and was therefore a candidate for classification through an automated scoring system. Utilizing variant allele frequency, disease prevalence and penetrance estimates, and inheritance mode, an automated score was calculated to assess if this variant is too frequent to cause the disease. Based on the score and internal cut-off values, a variant classified as likely benign is not then subjected to further curation. The score for this variant resulted in a classification of likely benign for this disease.